The following is an entry in ClinVar:

NM_001365951.3(KIF1B):c.3443A>G (p.Glu1148Gly)

Gene: KIF1B (kinesin family member 1B; plus strand). Cytogenetic location: 1p36.22.
Variant type: single nucleotide variant.
Coding change: c.3443A>G on transcript NM_001365951.3 (MANE Select); coding-DNA position 3443, A replaced by G.
Protein change: p.Glu1148Gly; replaces glutamic acid 1148 with glycine.
Molecular consequence: missense variant.
Genome position (GRCh38, 1-based): chr1:10,339,789, A>G. VCF-style: chr1-10339789-A-G. GRCh37 (hg19) VCF-style: chr1-10399847-A-G.
Other names: c.3443A>G, p.Glu1148Gly (NM_001365952.1); c.3305A>G, p.Glu1102Gly (NM_015074.3); short protein forms E1102G, E1148G.
Identifiers: ClinVar variation 3226448 (VCV003226448.1), dbSNP rs2521737822, ClinGen allele CA338340957.

ClinVar aggregate classification (germline): Uncertain significance (1 of 4 stars; one submission).

Submission:

Ambry Genetics
Classification: Uncertain significance. Last evaluated: 2023-11-05. Review status: criteria provided, single submitter. Criteria: Ambry Variant Classification Scheme 2023. Collection method: clinical testing. Allele origin: germline.
Comment: The p.E1102G variant (also known as c.3305A>G), located in coding exon 29 of the KIF1B gene, results from an A to G substitution at nucleotide position 3305. The glutamic acid at codon 1102 is replaced by glycine, an amino acid with similar properties. This amino acid position is conserved. In addition, this alteration is predicted to be deleterious by in silico analysis. Since supporting evidence is limited at this time, the clinical significance of this alteration remains unclear.